The following continues an entry in ClinVar:

NM_000083.3(CLCN1):c.2680C>T (p.Arg894Ter)

Gene: CLCN1. ClinVar aggregate classification (germline): Pathogenic/Likely pathogenic. Pathogenic (39); Likely pathogenic (5).

Submissions 27 to 38 of 49:

Women's Health and Genetics/Laboratory Corporation of America, LabCorp
Classification: Pathogenic for Congenital myotonia, autosomal recessive form. Last evaluated: 2022-06-17. Review status: criteria provided, single submitter. Criteria: LabCorp Variant Classification Summary - May 2015. Collection method: clinical testing. Allele origin: germline.
Comment: Variant summary: CLCN1 c.2680C>T (p.Arg894X) results in a premature termination codon, predicted to cause a truncation of the encoded protein or absence of the protein due to nonsense mediated decay, which are commonly known mechanisms for disease. Truncations downstream of this position have been associated with myotonia congenita in HGMD. c.2680C>T has been reported in the literature in multiple homozygous, compound heterozygous and heterozygous individuals affected with Congenital Myotonia (Raheem_2012 and Skalova_2013). Individuals who were homozygous for this variant had reduced sarcolemmal ClC-1 expression (Raheem_2012). Functional studies in Xenopus oocytes demonstrated that the variant resulted in greatly reduced chloride currents compared to wild type (Meyer-Kleine_1995). Papponen_2008 have demonstrated that this variant did not inhibit transport of the protein but did cause reduced stability in myotubes. These data indicate that the variant is very likely to be associated with disease. Eighteen submitters have submitted clinical-significance assessments for this variant to ClinVar after 2014 and classified the variant as VUS(n=1), likely pathogenic(n=4) and pathogenic (n=13). Based on the evidence outlined above, the variant was classified as pathogenic.

Mendelics
Classification: Pathogenic for Congenital myotonia, autosomal dominant form. Last evaluated: 2022-05-04. Review status: criteria provided, single submitter. Criteria: Mendelics Assertion Criteria 2019. Collection method: clinical testing. Allele origin: germline.

Laboratory of Medical Genetics, National & Kapodistrian University of Athens
Classification: Pathogenic for Congenital myotonia, autosomal recessive form. Last evaluated: 2021-10-01. Review status: criteria provided, single submitter. Criteria: ACMG Guidelines, 2015. Collection method: clinical testing. Allele origin: unknown. Affected: yes.
Comment: PVS1, PP3, PP4, PP5

Kariminejad - Najmabadi Pathology & Genetics Center
Classification: Pathogenic for Abnormality of the musculature. Last evaluated: 2021-07-10. Review status: criteria provided, single submitter. Criteria: ACMG Guidelines, 2015. Collection method: clinical testing. Allele origin: germline. Affected: yes.

Neurogenetics Research Program, University of Adelaide
Classification: Pathogenic for Cerebral palsy. Last evaluated: 2021-06-10. Review status: criteria provided, single submitter. Criteria: ACMG Guidelines, 2015. Collection method: research. Allele origin: unknown. Affected: yes. Observed: 1 variant allele.

Practice for Gait Abnormalities, David Pomarino, Competency Network Toe Walking C/o Practice Pomarino
Classification: Likely pathogenic for Tip-toe gait. Last evaluated: 2021-03-04. Review status: criteria provided, single submitter. Criteria: ACMG Guidelines, 2015. Collection method: clinical testing. Allele origin: maternal, unknown. Affected: yes.
Comment: We examined a family - two daughters and mother. It is not known about the mother whether she had toe-walking in childhood. In the ClinVar database, it is mostly classified as likely pathogenic; 12 entries as pathogenic or probably pathogenic compared to 1 entry as VUS. The variant is described in the literature as causing myotonia congenita of the Thomsen type (autosomal dominant inherited form) and also of the Becker type (autosomal recessive inheritance) [Meyer-Kleine (1995) Am J Hum Genet 57: 1325, Zielonka (2012 ) Neuromuscul Disord 22: 355 and Tincheva (2016) Neuromuscul Disord 26: 675]. Through in-vitro analyzes it could be shown that the detected variant has a dominant-negative effect on the function of the chloride channel [Meyer-Kleine (1995) Am J Hum Genet 57: 1325], which is why c. 2680C> T p. (Arg894 *) both autosomal dominant and recessive inheritance are possible [Pusch (2002) Hum Courage 19: 423]. Myopathy refers to diseases that affect skeletal Muscles. These diseases attack muscle fibers, making muscles weak. Inherited myopathies are often caused by inheriting an abnormal gene mutation from a parent that causes the disease. Symptoms of congenital myopathies usually start at birth or in early childhood, but may not appear until the teen years or even later in adulthood. Congenital myopathies are somewhat unique compared with other inherited myopathies, as weakness typically affects all muscles and is often not progressive. Symptoms are: Muscle weakness, most commonly of upper arms and shoulders and thighs, muscle cramps, stiffness and spasms, fatigue with exertion and lack of energy. Our patients all walk on tiptoe, so they show similar symptoms. When we genetically test them with our toe walking panel, we find that around 90 per cent of them have a genetic variant that explains their toe walking. These can be assigned, for example, to the area of myopathies (such as variants of the COL6A3 gene), the area of hereditary neuropathies (such as variants of the KMT2C gene) or the area of metabolic diseases (such as variants of the PYGM gene). In a smaller group of patients with almost identical symptoms, no abnormality is found in the genes of our panel, but spastic paraplegia can be detected. In another small group of our toe walkers, no abnormalities can be detected in the genes analysed in our toe walking panel, nor do they suffer from spastic paraplegia, as is also the case with healthy children. In contrast to these, however, they show a tiptoe gait. These patients suffer from infantile cerebral palsy, in which toe walking can also be observed.

Institute of Medical Genetics and Applied Genomics, University Hospital Tübingen
Classification: Pathogenic. Last evaluated: 2020-10-23. Review status: criteria provided, single submitter. Criteria: ACMG Guidelines, 2015. Collection method: clinical testing. Allele origin: germline. Inheritance: Unknown mechanism. Affected: yes.

Centre for Mendelian Genomics, University Medical Centre Ljubljana
Classification: Pathogenic for Congenital myotonia, autosomal recessive form. Last evaluated: 2020-03-28. Review status: criteria provided, single submitter. Criteria: ACMG Guidelines, 2015. Collection method: clinical testing. Allele origin: unknown. Affected: yes.
Comment: This variant was classified as: Pathogenic. The following ACMG criteria were applied in classifying this variant: PVS1,PS3,PM3_STR.

Laboratory for Molecular Medicine, Mass General Brigham Personalized Medicine
Classification: Pathogenic for Congenital myotonia, autosomal dominant form. Last evaluated: 2018-08-09. Review status: criteria provided, single submitter. Criteria: LMM Criteria. Collection method: clinical testing. Allele origin: germline. Inheritance: Autosomal recessive inheritance. Observed: 1 variant allele.
Comment: The p.Arg894X variant in CLCN1 has been reported in >25 homozygous and compound heterozygous individuals with clinical features of myotonia congenita and segreg ated with disease in many affected relatives (Brugnoni 2013, Fialho 2007, Mazon 2012, Meyer-Kleine 1995, Neroldova 2016, Sun 2001, Tincheva 2016, Trip 2008, Zie lonka 2012). It is a common pathogenic variant in Scandinavian populations, wher e the disease prevalence is approximately 1 in 10,000 versus 1 in 100,000 worldw ide (Sun 2001). This variant has been identified in 1.63% (429/25792) of Finnish chromosomes by the Genome Aggregation Database (gnomAD) and reported in ClinVar (Variation ID# 17545). This nonsense variant leads to a premature termination codon at position 894. This alteration occurs w ithin the last exon and is more likely to escape nonsense mediated decay (NMD) a nd result in a truncated protein. In vitro functional studies provide some evide nce that the p.Arg894X variant impacts protein function (Meyer-Kleine 1995). In summary, this variant meets criteria to be classified as pathogenic for myotonia congenita in an autosomal recessive manner based upon segregation studies, func tional evidence and predicted impact on protein. ACMG/AMP Criteria applied: PM3_ VeryStrong, PP1_Strong, PS3_Moderate.

Illumina Laboratory Services, Illumina
Classification: Pathogenic for Myotonia congenita. Last evaluated: 2018-05-07. Review status: criteria provided, single submitter. Criteria: ICSL Variant Classification Criteria 09 May 2019. Collection method: clinical testing. Allele origin: germline.
Comment: The CLCN1 c.2680C>T (p.Arg894Ter) variant is a stop-gained variant that is predicted to result in premature termination of the protein. The p.Arg894Ter variant is well-described in the literature as a common pathogenic variant (DunÃ¸ et al. 2015). Across a selection of five studies, the variant was detected in a homozygous state in nine individuals, in a compound heterozygous state in 32 individuals and in a heterozygous state in 12 individuals, all affected with myotonia congenita (Meyer-Kleine et al. 1995; Papponen et al. 1999; Sun et al. 2001; Suominen et al. 2008; Rayan et al. 2012). The variant was present in 1/324 control chromosomes and is reported at a frequency of 0.03 in the Finnish in Finland population of the 1000 Genomes Project. Functional studies in Xenopus oocytes demonstrated that the variant resulted in greatly reduced choride currents compared to wild type, to a level that was intermediate between the reductions seen for a known â€œfully dominantâ€ pathogenic variant, and a known â€œfully recessiveâ€ pathogenic variant (Meyer-Kleine et al. 1995). Experiments in L6 myotubes and isolated rat myofibers indicated that the variant did not inhibit transport of the protein but did cause reduced stability (Papponen et al. 2008). Based on the collective evidence and the potential impact of stop-gained variants, the p.Arg894Ter variant is classified as pathogenic for the autosomal recessive form of myotonia congenita. This variant was observed by ICSL as part of a predisposition screen in an ostensibly healthy population.

Centre for Mendelian Genomics, University Medical Centre Ljubljana
Classification: Likely pathogenic for EMG: myopathic abnormalities; Myopathy. Last evaluated: 2017-01-01. Review status: criteria provided, single submitter. Criteria: ACMG Guidelines, 2015. Collection method: clinical testing. Allele origin: unknown. Affected: yes.

Clinical Genetics and Genomics, Karolinska University Hospital
Classification: Likely pathogenic. Last evaluated: 2015-05-12. Review status: criteria provided, single submitter. Criteria: ACMG Guidelines, 2015. Collection method: clinical testing. Allele origin: germline. Affected: yes. Observed: 2 variant alleles.